The following is an entry in ClinVar:

NM_031935.3(HMCN1):c.10981C>T (p.Arg3661Trp)

Gene: HMCN1 (hemicentin 1; plus strand). Cytogenetic location: 1q31.1.
Variant type: single nucleotide variant.
Coding change: c.10981C>T on transcript NM_031935.3 (MANE Select); coding-DNA position 10981, C replaced by T.
Protein change: p.Arg3661Trp; replaces arginine 3661 with tryptophan.
Molecular consequence: missense variant.
Genome position (GRCh38, 1-based): chr1:186,108,589, C>T. VCF-style: chr1-186108589-C-T. GRCh37 (hg19) VCF-style: chr1-186077721-C-T.
Other names: c.10981C>T (NM_031935.2); short protein forms R3661W.
Identifiers: ClinVar variation 1954829 (VCV001954829.6), dbSNP rs770186866, ClinGen allele CA1293873.

ClinVar aggregate classification (germline): Uncertain significance. Review status: criteria provided, multiple submitters, no conflicts (2 of 4 stars). 2 submissions from 2 submitters: Uncertain significance (2). Last evaluated 2025-08-23.

Allele frequency attached by ClinVar (database versions not stated): gnomAD exomes below 0.00001; ExAC 0.00001; gnomAD 0.00001.
gnomAD v4.1: 8 of 1,613,854 alleles (0.0005%); highest among the groups gnomAD compares: South Asian, 0.0066%; no homozygotes.

Submissions (2):

Ambry Genetics
Classification: Uncertain significance. Last evaluated: 2025-08-23. Review status: criteria provided, single submitter. Criteria: Ambry Variant Classification Scheme 2023. Collection method: clinical testing. Allele origin: germline.

Labcorp Genetics (formerly Invitae), Labcorp
Classification: Uncertain significance. Last evaluated: 2024-05-21. Review status: criteria provided, single submitter. Criteria: Invitae Variant Classification Sherloc (09022015). Collection method: clinical testing. Allele origin: germline.
Comment: This sequence change replaces arginine, which is basic and polar, with tryptophan, which is neutral and slightly polar, at codon 3661 of the HMCN1 protein (p.Arg3661Trp). This variant is present in population databases (rs770186866, gnomAD 0.003%). This variant has not been reported in the literature in individuals affected with HMCN1-related conditions. ClinVar contains an entry for this variant (Variation ID: 1954829). Algorithms developed to predict the effect of missense changes on protein structure and function output the following: SIFT: "Not Available"; PolyPhen-2: "Possibly Damaging"; Align-GVGD: "Not Available". The tryptophan amino acid residue is found in multiple mammalian species, which suggests that this missense change does not adversely affect protein function. In summary, the available evidence is currently insufficient to determine the role of this variant in disease. Therefore, it has been classified as a Variant of Uncertain Significance.